The following is an entry in ClinVar:

NM_001292063.2(OTOG):c.478G>A (p.Gly160Arg)

Gene: OTOG (otogelin; plus strand). Cytogenetic location: 11p15.1.
Variant type: single nucleotide variant.
Coding change: c.478G>A on transcript NM_001292063.2 (MANE Select); coding-DNA position 478, G replaced by A.
Protein change: p.Gly160Arg; replaces glycine 160 with arginine.
Molecular consequence: missense variant.
Genome position (GRCh38, 1-based): chr11:17,553,457, G>A. VCF-style: chr11-17553457-G-A. GRCh37 (hg19) VCF-style: chr11-17575004-G-A.
Other names: c.514G>A, p.Gly172Arg (NM_001277269.2); short protein forms G172R, G160R.
Identifiers: ClinVar variation 4987767 (VCV004987767.1).

ClinVar aggregate classification (germline): Uncertain significance (1 of 4 stars; one submission).

Conditions:
OTOG-related disorder. Also called: OTOG-related condition.

Submission:

PreventionGenetics, part of Exact Sciences
Classification: Uncertain significance for OTOG-related condition. Last evaluated: 2025-01-23. Review status: criteria provided, single submitter. Criteria: ACMG Guidelines, 2015. Collection method: clinical testing. Allele origin: germline.
Comment: The OTOG c.514G>A variant is predicted to result in the amino acid substitution p.Gly172Arg. To our knowledge, this variant has not been reported in the literature. This variant is reported in 0.0032% of alleles in individuals of European (Non-Finnish) descent in gnomAD. At this time, the clinical significance of this variant is uncertain due to the absence of conclusive functional and genetic evidence.